The following is an entry in ClinVar:

NM_015570.4(AUTS2):c.1690-3del

Gene: AUTS2 (activator of transcription and developmental regulator AUTS2; plus strand). Cytogenetic location: 7q11.22.
Variant type: Deletion.
Coding change: c.1690-3del on transcript NM_015570.4 (MANE Select); 3 bases into the intron before coding-DNA position 1690, one base deleted (C; older notation c.1690-3delC).
Molecular consequence: intron variant.
Genome position (GRCh38, 1-based): chr7:70,768,021, C deleted. VCF-style (leftmost placement, unchanged base first): chr7-70768020-AC-A. GRCh37 (hg19) VCF-style: chr7-70233006-AC-A.
Other names: c.1690-3del (NM_001127231.3).
Identifiers: ClinVar variation 2864131 (VCV002864131.3), dbSNP rs2484700654, ClinGen allele CA2739266460.
Genomic context (GRCh38, chr7:70,768,020, plus strand): 5'-TCCACTGTAGCAGTGAACAAAAATGCAGATTAAGTAACTAGCTTTTGCTTTGATCCCTTT[AC>A]AGTTTGACAAATACCCTACAAAAGTTGACCCATTCTACCGGCACAGTGTGAGTTTCATTA-3'

ClinVar aggregate classification (germline): Uncertain significance (1 of 4 stars; one submission).

Submission:

Labcorp Genetics (formerly Invitae), Labcorp
Classification: Uncertain significance. Last evaluated: 2023-05-13. Review status: criteria provided, single submitter. Criteria: Invitae Variant Classification Sherloc (09022015). Collection method: clinical testing. Allele origin: germline.
Comment: In summary, the available evidence is currently insufficient to determine the role of this variant in disease. Therefore, it has been classified as a Variant of Uncertain Significance. Variants that disrupt the consensus splice site are a relatively common cause of aberrant splicing (PMID: 17576681, 9536098). Algorithms developed to predict the effect of sequence changes on RNA splicing suggest that this variant may disrupt the consensus splice site. This variant has not been reported in the literature in individuals affected with AUTS2-related conditions. This variant is not present in population databases (gnomAD no frequency). This sequence change falls in intron 9 of the AUTS2 gene. It does not directly change the encoded amino acid sequence of the AUTS2 protein. It affects a nucleotide within the consensus splice site.

Literature cited by the submitters: PubMed 17576681; PubMed 9536098.